The following is an entry in ClinVar:

ClinVar aggregate classification (germline): Likely pathogenic (1 of 4 stars; one submission).

Conditions:
Autosomal recessive polycystic kidney disease (ARPKD). Also called: AR polycystic kidney disease. Identifiers: Orphanet 731, Orphanet 8378, MedGen C0085548, MeSH D017044, MONDO:0009889.

Submission:

Natera, Inc.
Classification: Likely pathogenic for Autosomal recessive polycystic kidney disease. Last evaluated: 2024-03-29. Review status: criteria provided, single submitter. Criteria: Natera Variant Classification Schema (03/2026). Collection method: clinical testing. Allele origin: germline.
Comment: The c.3598delA variant in PKHD1 is a frameshift variant predicted to shift the reading frame beginning at codon 1200 and leads to a stop codon 20 codons downstream. This variant is expected to result in nonsense mediated decay, truncation, or a dysfunctional protein product. This variant is rare in the general population with a frequency below the threshold expected for the associated phenotype(s). Given the available evidence, this variant is classified as Likely Pathogenic.

NM_138694.4(PKHD1):c.3598del (p.Ser1200fs)

Gene: PKHD1 (PKHD1 ciliary IPT domain containing fibrocystin/polyductin; minus strand). Cytogenetic location: 6p12.2.
Variant type: Deletion.
Coding change: c.3598del on transcript NM_138694.4 (MANE Select); coding-DNA position 3598, one base deleted (A; older notation c.3598delA).
Protein change: p.Ser1200fs; shifts the reading frame from serine 1200.
Molecular consequence: frameshift variant.
Genome position (GRCh38, 1-based): chr6:52,027,859, T deleted on the plus strand (A on the coding strand, the reverse complement: PKHD1 is on the minus strand). VCF-style (leftmost placement, unchanged base first): chr6-52027858-CT-C. GRCh37 (hg19) VCF-style: chr6-51892656-CT-C.
Other names: c.3598del, p.Ser1200fs (NM_170724.3); short protein forms S1200fs.
Identifiers: ClinVar variation 4816638 (VCV004816638.1).